The following is an entry in ClinVar:

NM_000094.4(COL7A1):c.3868G>A (p.Gly1290Arg)

Gene: COL7A1 (collagen type VII alpha 1 chain; minus strand). Cytogenetic location: 3p21.31.
Variant type: single nucleotide variant.
Coding change: c.3868G>A on transcript NM_000094.4 (MANE Select); coding-DNA position 3868, G replaced by A.
Protein change: p.Gly1290Arg; replaces glycine 1290 with arginine.
Molecular consequence: missense variant.
Genome position (GRCh38, 1-based): chr3:48,585,583, C>T on the plus strand (G>A on the coding strand, the complement: COL7A1 is on the minus strand). VCF-style: chr3-48585583-C-T. GRCh37 (hg19) VCF-style: chr3-48623016-C-T.
Other names: short protein forms G1290R.
Identifiers: ClinVar variation 3635680 (VCV003635680.2).

ClinVar aggregate classification (germline): Uncertain significance (1 of 4 stars; one submission).

Submission:

Labcorp Genetics (formerly Invitae), Labcorp
Classification: Uncertain significance. Last evaluated: 2024-04-08. Review status: criteria provided, single submitter. Criteria: Invitae Variant Classification Sherloc (09022015). Collection method: clinical testing. Allele origin: germline.
Comment: This sequence change replaces glycine, which is neutral and non-polar, with arginine, which is basic and polar, at codon 1290 of the COL7A1 protein (p.Gly1290Arg). This variant is not present in population databases (gnomAD no frequency). This variant has not been reported in the literature in individuals affected with COL7A1-related conditions. Advanced modeling of protein sequence and biophysical properties (such as structural, functional, and spatial information, amino acid conservation, physicochemical variation, residue mobility, and thermodynamic stability) performed at Invitae indicates that this missense variant is expected to disrupt COL7A1 protein function with a positive predictive value of 80%. In summary, the available evidence is currently insufficient to determine the role of this variant in disease. Therefore, it has been classified as a Variant of Uncertain Significance.